The following is an entry in ClinVar:

ClinVar aggregate classification (germline): Likely benign (1 of 4 stars; one submission).

Conditions:
Oligodontia-cancer predisposition syndrome. Also called: TOOTH AGENESIS-COLORECTAL CANCER SYNDROME. Identifiers: Orphanet 300576, MedGen C1837750, MONDO:0012075, OMIM 608615. Disease mechanism: loss of function.

Submission:

Myriad Genetics, Inc.
Classification: Likely benign for Oligodontia-cancer predisposition syndrome. Last evaluated: 2024-07-10. Review status: criteria provided, single submitter. Criteria: Myriad Autosomal Dominant, Autosomal Recessive and X-Linked Classification Criteria (2023). Collection method: clinical testing. Allele origin: unknown.
Comment: This variant is considered likely benign. This variant is intronic and is not expected to impact mRNA splicing.

NM_004655.4(AXIN2):c.2238-10T>C

Gene: AXIN2 (axin 2; minus strand). Cytogenetic location: 17q24.1.
Variant type: single nucleotide variant.
Coding change: c.2238-10T>C on transcript NM_004655.4 (MANE Select); 10 bases into the intron before coding-DNA position 2238, T replaced by C.
Molecular consequence: intron variant.
Genome position (GRCh38, 1-based): chr17:65,534,089, A>G on the plus strand (T>C on the coding strand, the complement: AXIN2 is on the minus strand). VCF-style: chr17-65534089-A-G. GRCh37 (hg19) VCF-style: chr17-63530207-A-G.
Other names: c.2043-10T>C (NM_001363813.1).
Identifiers: ClinVar variation 3379118 (VCV003379118.1).